The following is an entry in ClinVar:

NM_194255.4(SLC19A1):c.784C>T (p.Leu262=)

Gene: SLC19A1 (solute carrier family 19 member 1; minus strand). Cytogenetic location: 21q22.3.
Variant type: single nucleotide variant.
Coding change: c.784C>T on transcript NM_194255.4 (MANE Select); coding-DNA position 784, C replaced by T.
Protein change: p.Leu262=; no amino-acid change (leucine 262 retained).
Molecular consequence: synonymous variant.
Genome position (GRCh38, 1-based): chr21:45,531,554, G>A on the plus strand (C>T on the coding strand, the complement: SLC19A1 is on the minus strand). VCF-style: chr21-45531554-G-A. GRCh37 (hg19) VCF-style: chr21-46951468-G-A.
Other names: c.784C>T, p.Leu262= (NM_001205206.4, NM_001352511.3, NM_001352512.2); c.664C>T, p.Leu222= (NM_001205207.3); c.430C>T, p.Leu144= (NM_001352510.2).
Identifiers: ClinVar variation 713925 (VCV000713925.11), dbSNP rs9282853, ClinGen allele CA10068533.
Genomic context (GRCh38, chr21:45,531,554, plus strand): 5'-AGTAGCCGGCCGAGTTGAAGACCCACCAGAGGGACCACAGGCGCAGCTGCGGCCGCCGCA[G>A]GCTGTCCCCCAGCTCCCGCAGCATCCGCGCCAGCACTGAGTCCCCACAGGCCACCCGCAG-3'
Protein context (NP_919231.1, residues 252-272): ARMLRELGDS[Leu262=]RRPQLRLWSL

ClinVar aggregate classification (germline): Benign. Review status: criteria provided, multiple submitters, no conflicts (2 of 4 stars). 3 submissions from 3 submitters: Benign (3). Last evaluated 2026-06-01.

Allele frequency attached by ClinVar (database versions not stated): ESP Exome Variant Server 0.00155; TOPMed 0.00226; 1000 Genomes Project 30x 0.00453; 1000 Genomes Project 0.00459.

Submissions (3):

CeGaT Center for Human Genetics Tuebingen
Classification: Benign. Last evaluated: 2026-06-01. Review status: criteria provided, single submitter. Criteria: CeGaT Center For Human Genetics Tuebingen Variant Classification Criteria Version 2. Collection method: clinical testing. Allele origin: germline. Affected: yes. Observed: 1 variant allele.
Comment: SLC19A1: BP4, BP7, BS1, BS2

Labcorp Genetics (formerly Invitae), Labcorp
Classification: Benign. Last evaluated: 2026-01-19. Review status: criteria provided, single submitter. Criteria: Invitae Variant Classification Sherloc (09022015). Collection method: clinical testing. Allele origin: germline.

Breakthrough Genomics
Classification: Benign. Review status: criteria provided, single submitter. Criteria: ACMG Guidelines, 2015. Collection method: not provided. Allele origin: germline. Inheritance: Autosomal recessive inheritance. Affected: yes.